The following is an entry in ClinVar:

NM_023110.3(FGFR1):c.2138T>C (p.Leu713Pro)

Gene: FGFR1 (fibroblast growth factor receptor 1; minus strand). Cytogenetic location: 8p11.23.
Variant type: single nucleotide variant.
Coding change: c.2138T>C on transcript NM_023110.3 (MANE Select); coding-DNA position 2138, T replaced by C.
Protein change: p.Leu713Pro; replaces leucine 713 with proline.
Molecular consequence: missense variant.
Genome position (GRCh38, 1-based): chr8:38,414,200, A>G on the plus strand (T>C on the coding strand, the complement: FGFR1 is on the minus strand). VCF-style: chr8-38414200-A-G. GRCh37 (hg19) VCF-style: chr8-38271718-A-G.
Other names: c.2132T>C, p.Leu711Pro (NM_001174063.2, NM_001174065.2, NM_001354367.2 and 1 more transcripts); c.2108T>C, p.Leu703Pro (NM_001174064.2); c.1871T>C, p.Leu624Pro (NM_001174066.2, NM_023105.3); c.2231T>C, p.Leu744Pro (NM_001174067.2); c.1859T>C, p.Leu620Pro (NM_001354368.2); c.2126T>C, p.Leu709Pro (NM_001354369.2); c.1865T>C, p.Leu622Pro (NM_001354370.2, NM_023106.3); short protein forms L620P, L622P, L624P, L703P, L709P, L711P, L713P, L744P.
Identifiers: ClinVar variation 998009 (VCV000998009.2), dbSNP rs1815455535, ClinGen allele CA370728594.

ClinVar aggregate classification (germline): Likely pathogenic. Review status: criteria provided, single submitter (1 of 4 stars). 2 submissions from 2 submitters: Likely pathogenic (1). 1 of the submissions does not count toward it. Last evaluated 2023-03-15.

Conditions:
Hypogonadotropic hypogonadism 2 with or without anosmia (HH2). Also called: HYPOGONADOTROPIC HYPOGONADISM 2 WITHOUT ANOSMIA; FGFR1-Related GnRH Deficiency (Kallmann Syndrome 2); HYPOGONADOTROPIC HYPOGONADISM 2 WITH OR WITHOUT ANOSMIA, SUSCEPTIBILITY TO; HYPOGONADOTROPIC HYPOGONADISM 2 WITHOUT ANOSMIA, SUSCEPTIBILITY TO. Identifiers: Orphanet 478, MedGen C1563720, MONDO:0007844, OMIM 147950. Disease mechanism: loss of function.

Submissions (2):

GeneDx
Classification: Likely pathogenic. Last evaluated: 2023-03-15. Review status: criteria provided, single submitter. Criteria: GeneDx Variant Classification Process June 2021. Collection method: clinical testing. Allele origin: germline. Affected: yes.
Comment: Not observed at significant frequency in large population cohorts (gnomAD); In silico analysis supports that this missense variant has a deleterious effect on protein structure/function; This variant is associated with the following publications: (PMID: Bonomi[poster]2012, 34006472)

Beijing Key Laboratory for Genetic Research of Skeletal Deformity, Peking Union Medical College Hospital
Classification: Likely pathogenic for Hypogonadotropic hypogonadism 2 with or without anosmia. Last evaluated: 2019-05-31. Review status: no assertion criteria provided. Collection method: research. Allele origin: de novo. Affected: yes. Not counted in ClinVar's aggregate classification.